The following is an entry in ClinVar:

NM_006017.3(PROM1):c.2021C>T (p.Ala674Val)

Gene: PROM1 (prominin 1; minus strand). Cytogenetic location: 4p15.32.
Variant type: single nucleotide variant.
Coding change: c.2021C>T on transcript NM_006017.3 (MANE Select); coding-DNA position 2021, C replaced by T.
Protein change: p.Ala674Val; replaces alanine 674 with valine.
Molecular consequence: missense variant.
Genome position (GRCh38, 1-based): chr4:15,989,787, G>A on the plus strand (C>T on the coding strand, the complement: PROM1 is on the minus strand). VCF-style: chr4-15989787-G-A. GRCh37 (hg19) VCF-style: chr4-15991410-G-A.
Other names: c.1994C>T, p.Ala665Val (NM_001145847.2, NM_001145848.2, NM_001145851.2 and 4 more transcripts); c.2021C>T, p.Ala674Val (NM_001145849.2, NM_001145850.2); short protein forms A665V, A674V.
Identifiers: ClinVar variation 853149 (VCV000853149.10), dbSNP rs1203615168, ClinGen allele CA356430227.

ClinVar aggregate classification (germline): Uncertain significance. Review status: criteria provided, multiple submitters, no conflicts (2 of 4 stars). 2 submissions from 2 submitters: Uncertain significance (2). Last evaluated 2025-06-18.

Conditions:
Inborn genetic diseases. Identifiers: MedGen C0950123, MeSH D030342.

Allele frequency attached by ClinVar (database versions not stated): gnomAD exomes below 0.00001.
gnomAD v4.1: 2 of 1,609,722 alleles (0.00012%); highest among the groups gnomAD compares: Non-Finnish European, 0.00017%; no homozygotes.

Submissions (2):

Ambry Genetics
Classification: Uncertain significance for Inborn genetic diseases. Last evaluated: 2025-06-18. Review status: criteria provided, single submitter. Criteria: Ambry Variant Classification Scheme 2023. Collection method: clinical testing. Allele origin: germline.

Labcorp Genetics (formerly Invitae), Labcorp
Classification: Uncertain significance. Last evaluated: 2019-12-03. Review status: criteria provided, single submitter. Criteria: Invitae Variant Classification Sherloc (09022015). Collection method: clinical testing. Allele origin: germline.
Comment: This sequence change replaces alanine with valine at codon 674 of the PROM1 protein (p.Ala674Val). The alanine residue is moderately conserved and there is a small physicochemical difference between alanine and valine. This variant is not present in population databases (ExAC no frequency). This variant has not been reported in the literature in individuals with PROM1-related conditions. Algorithms developed to predict the effect of missense changes on protein structure and function output the following: SIFT: "Tolerated"; PolyPhen-2: "Possibly Damaging"; Align-GVGD: "Class C0". The valine amino acid residue is found in multiple mammalian species, suggesting that this missense change does not adversely affect protein function. These predictions have not been confirmed by published functional studies and their clinical significance is uncertain. In summary, the available evidence is currently insufficient to determine the role of this variant in disease. Therefore, it has been classified as a Variant of Uncertain Significance.